The following is an entry in ClinVar:

NC_000013.11:g.76992004A>G

Gene: CLN5 (CLN5 lysosomal BMP synthase; plus strand). Cytogenetic location: 13q22.3.
Variant type: single nucleotide variant.
Molecular consequence: missense variant (on NM_006493.2).
Genome position: GRCh38 VCF-style: chr13-76992004-A-G. GRCh37 (hg19) VCF-style: chr13-77566139-A-G.
Other names: c.53A>G, p.Gln18Arg (NM_006493.2); short protein forms Q18R.
Identifiers: ClinVar variation 845413 (VCV000845413.10), dbSNP rs1287993760, ClinGen allele CA388305800.

ClinVar aggregate classification (germline): Uncertain significance (1 of 4 stars; one submission).

Conditions:
Neuronal ceroid lipofuscinosis. Also called: Neuronal Ceroid Lipofuscinoses. Identifiers: Orphanet 216, Orphanet 79263, MedGen C0027877, MONDO:0016295. Disease mechanism: loss of function.

Allele frequency attached by ClinVar (database versions not stated): gnomAD exomes below 0.00001.

Submission:

Labcorp Genetics (formerly Invitae), Labcorp
Classification: Uncertain significance for Neuronal ceroid lipofuscinosis. Last evaluated: 2019-01-14. Review status: criteria provided, single submitter. Criteria: Invitae Variant Classification Sherloc (09022015). Collection method: clinical testing. Allele origin: germline.
Comment: This sequence change replaces glutamine with arginine at codon 18 of the CLN5 protein (p.Gln18Arg). The glutamine residue is weakly conserved and there is a small physicochemical difference between glutamine and arginine. This variant is not present in population databases (ExAC no frequency). This variant has not been reported in the literature in individuals with CLN5-related conditions. Algorithms developed to predict the effect of missense changes on protein structure and function are either unavailable or do not agree on the potential impact of this missense change (SIFT: "Deleterious"; PolyPhen-2: "Benign"; Align-GVGD: "Class C0"). In summary, the available evidence is currently insufficient to determine the role of this variant in disease. Therefore, it has been classified as a Variant of Uncertain Significance.